The following is an entry in ClinVar:

NM_023067.4(FOXL2):c.163C>T (p.Pro55Ser)

Gene: FOXL2 (forkhead box L2; minus strand). Cytogenetic location: 3q22.3.
Variant type: single nucleotide variant.
Coding change: c.163C>T on transcript NM_023067.4 (MANE Select); coding-DNA position 163, C replaced by T.
Protein change: p.Pro55Ser; replaces proline 55 with serine.
Molecular consequence: missense variant.
Genome position (GRCh38, 1-based): chr3:138,946,560, G>A on the plus strand (C>T on the coding strand, the complement: FOXL2 is on the minus strand). VCF-style: chr3-138946560-G-A. GRCh37 (hg19) VCF-style: chr3-138665402-G-A.
Other names: short protein forms P55S.
Identifiers: ClinVar variation 3365544 (VCV003365544.1).

ClinVar aggregate classification (germline): Uncertain significance (1 of 4 stars; one submission).

Submission:

GeneDx
Classification: Uncertain significance. Last evaluated: 2023-12-12. Review status: criteria provided, single submitter. Criteria: GeneDx Variant Classification Process June 2021. Collection method: clinical testing. Allele origin: germline. Affected: yes.
Comment: Has not been previously published as pathogenic or benign to our knowledge; Not observed at significant frequency in large population cohorts (gnomAD); In silico analysis supports that this missense variant has a deleterious effect on protein structure/function